The following is an entry in ClinVar:

NM_001388492.1(HTT):c.1048T>G (p.Ser350Ala)

Gene: HTT (huntingtin; plus strand). Cytogenetic location: 4p16.3.
Variant type: single nucleotide variant.
Coding change: c.1048T>G on transcript NM_001388492.1 (MANE Select); coding-DNA position 1048, T replaced by G.
Protein change: p.Ser350Ala; replaces serine 350 with alanine.
Molecular consequence: missense variant.
Genome position (GRCh38, 1-based): chr4:3,116,243, T>G. VCF-style: chr4-3116243-T-G. GRCh37 (hg19) VCF-style: chr4-3117970-T-G.
Other names: c.1054T>G, p.Ser352Ala (NM_002111.8); short protein forms S352A, S350A.
Identifiers: ClinVar variation 1369807 (VCV001369807.6), dbSNP rs2110172536, ClinGen allele CA356069070.
Genomic context (GRCh38, chr4:3,116,243, plus strand): 5'-AAGGACACAAGCCTGAAAGGCAGCTTCGGAGTGACAAGGAAAGAAATGGAAGTCTCTCCT[T>G]CTGCAGAGCAGCTTGTCCAGGTAGGAGCACAGGGTTTACTCTAGGCCCTGCATGTGAATG-3'
Protein context (NP_001375421.1, residues 340-360): VTRKEMEVSP[Ser350Ala]AEQLVQVYEL

ClinVar aggregate classification (germline): Uncertain significance (1 of 4 stars; one submission).

Allele frequency attached by ClinVar (database versions not stated): gnomAD exomes 0.00001.
gnomAD v4.1: 7 of 1,611,712 alleles (0.00043%); highest among the groups gnomAD compares: Non-Finnish European, 0.00059%; no homozygotes.

Submission:

Labcorp Genetics (formerly Invitae), Labcorp
Classification: Uncertain significance. Last evaluated: 2022-08-09. Review status: criteria provided, single submitter. Criteria: Invitae Variant Classification Sherloc (09022015). Collection method: clinical testing. Allele origin: germline.
Comment: This variant is not present in population databases (gnomAD no frequency). In summary, the available evidence is currently insufficient to determine the role of this variant in disease. Therefore, it has been classified as a Variant of Uncertain Significance. Experimental studies and prediction algorithms are not available or were not evaluated, and the functional significance of this variant is currently unknown. ClinVar contains an entry for this variant (Variation ID: 1369807). This variant has not been reported in the literature in individuals affected with HTT-related conditions. This sequence change replaces serine, which is neutral and polar, with alanine, which is neutral and non-polar, at codon 352 of the HTT protein (p.Ser352Ala).